The following is an entry in ClinVar:

NM_003239.5(TGFB3):c.351C>T (p.His117=)

Gene: TGFB3 (transforming growth factor beta 3; minus strand). Cytogenetic location: 14q24.3.
Variant type: single nucleotide variant.
Coding change: c.351C>T on transcript NM_003239.5 (MANE Select); coding-DNA position 351, C replaced by T.
Protein change: p.His117=; no amino-acid change (histidine 117 retained).
Molecular consequence: synonymous variant.
Genome position (GRCh38, 1-based): chr14:75,980,543, G>A on the plus strand (C>T on the coding strand, the complement: TGFB3 is on the minus strand). VCF-style: chr14-75980543-G-A. GRCh37 (hg19) VCF-style: chr14-76446886-G-A.
Other names: c.351C>T, p.His117= (NM_001329938.2, NM_001329939.2).
Identifiers: ClinVar variation 391265 (VCV000391265.19), dbSNP rs375232060, ClinGen allele CA7280474.
Genomic context (GRCh38, chr14:75,980,543, plus strand): 5'-GCTCCCAGCTCCAGTTCAGACCCTCCAGAGCAGACACCCCAGCGAGAATTTGGACTTACT[G>A]TGCTCCGCCAGCCCCTGGATCATGTCGAATTTATGGATTTCTTTGGCATAGTATTCCGAC-3'
Protein context (NP_003230.1, residues 107-127): KFDMIQGLAE[His117=]NELAVCPKGI

ClinVar aggregate classification (germline): Benign/Likely benign. Review status: criteria provided, multiple submitters, no conflicts (2 of 4 stars). 5 submissions from 5 submitters: Benign (1); Likely benign (4). Last evaluated 2025-11-10.

Conditions:
Familial thoracic aortic aneurysm and aortic dissection (TAAD). Also called: Thoracic aortic aneurysms and dissections. Identifiers: Orphanet 91387, MedGen C4707243, MONDO:0019625.
Rienhoff syndrome. Also called: LOEYS-DIETZ SYNDROME 5. Identifiers: MedGen C3810012, MONDO:0014262, OMIM 615582.

Allele frequency attached by ClinVar (database versions not stated): gnomAD 0.00004 and 0.00005; TOPMed 0.00006; ESP Exome Variant Server 0.00008; gnomAD exomes 0.00010; ExAC 0.00012; 1000 Genomes Project 30x 0.00016; 1000 Genomes Project 0.00020.
gnomAD v4.1: 72 of 1,614,194 alleles (0.0045%); highest among the groups gnomAD compares: Admixed American, 0.005%; no homozygotes.

Submissions (5):

Women's Health and Genetics/Laboratory Corporation of America, LabCorp
Classification: Likely benign. Last evaluated: 2025-11-10. Review status: criteria provided, single submitter. Criteria: LabCorp Variant Classification Summary - May 2015. Collection method: clinical testing. Allele origin: germline.
Comment: Variant summary: TGFB3 c.351C>T (p.His117His) alters a conserved nucleotide located close to a canonical splice site and therefore could affect mRNA splicing, leading to a significantly altered protein sequence. Several computational tools predict a significant impact on normal splicing: Three predict the variant no significant impact on splicing. One predict the variant weakens a 5' donor site. However, these predictions have yet to be confirmed by functional studies. The variant allele was found at a frequency of 9.9e-05 in 251418 control chromosomes. The observed variant frequency exceeds the estimated maximal expected allele frequency for disease-causing variants in TGFB3. To our knowledge, no occurrence of c.351C>T in individuals affected with TGFB3-related conditions and no experimental evidence demonstrating its impact on protein function have been reported. ClinVar contains an entry for this variant (Variation ID: 391265). Based on the evidence outlined above, the variant was classified as likely benign.

Labcorp Genetics (formerly Invitae), Labcorp
Classification: Likely benign for Rienhoff syndrome. Last evaluated: 2025-10-14. Review status: criteria provided, single submitter. Criteria: Invitae Variant Classification Sherloc (09022015). Collection method: clinical testing. Allele origin: germline.

ARUP Laboratories, Molecular Genetics and Genomics, ARUP Laboratories
Classification: Benign. Last evaluated: 2025-06-27. Review status: criteria provided, single submitter. Criteria: ARUP Molecular Germline Variant Investigation Process 2024. Collection method: clinical testing. Allele origin: germline.

Ambry Genetics
Classification: Likely benign for Familial thoracic aortic aneurysm and aortic dissection. Last evaluated: 2024-10-08. Review status: criteria provided, single submitter. Criteria: Ambry Variant Classification Scheme 2023. Collection method: clinical testing. Allele origin: germline.

GeneDx
Classification: Likely benign. Last evaluated: 2017-08-24. Review status: criteria provided, single submitter. Criteria: GeneDx Variant Classification (06012015). Collection method: clinical testing. Allele origin: germline. Affected: yes.
Comment: This variant is considered likely benign or benign based on one or more of the following criteria: it is a conservative change, it occurs at a poorly conserved position in the protein, it is predicted to be benign by multiple in silico algorithms, and/or has population frequency not consistent with disease.